The following is an entry in ClinVar:

NM_144999.4(LRRC45):c.1326T>G (p.Arg442=)

Gene: LRRC45 (leucine rich repeat containing 45; plus strand). Cytogenetic location: 17q25.3.
Variant type: single nucleotide variant.
Coding change: c.1326T>G on transcript NM_144999.4 (MANE Select); coding-DNA position 1326, T replaced by G.
Protein change: p.Arg442=; no amino-acid change (arginine 442 retained).
Molecular consequence: synonymous variant.
Genome position (GRCh38, 1-based): chr17:82,029,110, T>G. VCF-style: chr17-82029110-T-G. GRCh37 (hg19) VCF-style: chr17-79986986-T-G.
Identifiers: ClinVar variation 4992085 (VCV004992085.1).

ClinVar aggregate classification (germline): Likely benign (1 of 4 stars; one submission).

Conditions:
LRRC45-related disorder. Also called: LRRC45-related condition.

Submission:

PreventionGenetics, part of Exact Sciences
Classification: Likely benign for LRRC45-related condition. Last evaluated: 2026-01-30. Review status: criteria provided, single submitter. Criteria: ACMG Guidelines, 2015. Collection method: clinical testing. Allele origin: germline.
Comment: This variant is classified as likely benign based on ACMG/AMP sequence variant interpretation guidelines (Richards et al. 2015 PMID: 25741868, with internal and published modifications).